The following continues an entry in ClinVar:

NM_000169.3(GLA):c.239G>A (p.Gly80Asp)

ClinVar aggregate classification (germline): Conflicting classifications of pathogenicity. Likely pathogenic (2); Uncertain significance (10).

Submissions 7 to 15 of 15:

GeneDx
Classification: Uncertain significance. Last evaluated: 2024-06-12. Review status: criteria provided, single submitter. Criteria: GeneDx Variant Classification Process June 2021. Collection method: clinical testing. Allele origin: germline. Affected: yes.
Comment: Classified as a benign variant after being identified through newborn screening in eight unaffected individuals; hemizygous males had GLA activity in leukocytes well above the affected range (PMID: 30093709); Identified in a cohort of male patients undergoing dialysis; this patient had decreased GLA activity but normal lyso-Gb3 and was not a confirmed Fabry disease case (PMID: 31392112); Published functional studies demonstrate this variant reduced GLA enzyme activity to 29% compared to wildtype (PMID: 26415523); In silico analysis supports that this missense variant has a deleterious effect on protein structure/function; This variant is associated with the following publications: (PMID: 29961767, 38047356, PablosNG2023[Abstract], 29247119, 30093709, 26415523, 33527381, 31392112)

Ambry Genetics
Classification: Uncertain significance for Cardiovascular phenotype. Last evaluated: 2022-11-17. Review status: criteria provided, single submitter. Criteria: Ambry Variant Classification Scheme 2023. Collection method: clinical testing. Allele origin: germline.
Comment: The c.239G>A (p.G80D) alteration is located in coding exon 2 of the GLA gene. This alteration results from a G to A substitution at nucleotide position 239, causing the glycine (G) at amino acid position 80 to be replaced by an aspartic acid (D). This variant was not reported in population-based cohorts in the Genome Aggregation Database (gnomAD). This alteration has been reported in individuals of Fabry disease cohorts, a renal failure cohort, and a sudden unexplained death cohort; however, clinical details were limited in some cases (Lukas, 2016; Lin, 2017; Frabasil, 2019; Wasserstein, 2019). This amino acid position is highly conserved in available vertebrate species. In vitro enzyme analysis showed mild reduction in enzyme activity (Lukas, 2016). This alteration is predicted to be deleterious by in silico analysis. Based on insufficient or conflicting evidence, the clinical significance of this alteration remains unclear.

Fulgent Genetics
Classification: Uncertain significance for Fabry disease. Last evaluated: 2022-01-07. Review status: criteria provided, single submitter. Criteria: ACMG Guidelines, 2015. Collection method: clinical testing. Allele origin: unknown.

Genome-Nilou Lab
Classification: Uncertain significance for Fabry disease. Last evaluated: 2021-07-15. Review status: criteria provided, single submitter. Criteria: ACMG Guidelines, 2015. Collection method: clinical testing. Allele origin: germline. Affected: no.

Revvity Omics, Revvity
Classification: Uncertain significance. Last evaluated: 2020-05-18. Review status: criteria provided, single submitter. Criteria: ACMG Guidelines, 2015. Collection method: clinical testing. Allele origin: germline.

Eurofins Ntd Llc (ga)
Classification: Uncertain significance. Last evaluated: 2018-03-29. Review status: criteria provided, single submitter. Criteria: EGL ClinVar v180209 classification definitions. Collection method: clinical testing. Allele origin: germline. Observed: 1 variant allele, 1 hemizygote.

Natera, Inc.
Classification: Uncertain significance for Fabry disease. Last evaluated: 2020-09-16. Review status: no assertion criteria provided. Collection method: clinical testing. Allele origin: germline. Not counted in ClinVar's aggregate classification.

Albrecht-Kossel-Institute, Medical University Rostock
Classification: Likely pathogenic for Fabry's disease. Last evaluated: 2014-01-01. Review status: no assertion criteria provided. Collection method: research. Allele origin: inherited. Not counted in ClinVar's aggregate classification.

Albrecht-Kossel-Institute, Medical University Rostock
Classification: drug response for deoxygalactonojirimycin response. Last evaluated: 2014-01-01. Review status: no assertion criteria provided. Collection method: research. Allele origin: inherited. Not counted in ClinVar's aggregate classification.

Literature cited by the submitters: PubMed 33527381 (cited by 5 submitters); PubMed 31392112 (cited by 5 submitters); PubMed 26415523 (cited by 7 submitters); PubMed 30093709 (cited by 5 submitters); PubMed 29247119 (cited by 4 submitters).